The following is an entry in ClinVar:

NM_004380.3(CREBBP):c.3251-10_3251-9insC

Gene: CREBBP (CREB binding lysine acetyltransferase; minus strand). Cytogenetic location: 16p13.3.
Variant type: Insertion.
Coding change: c.3251-10_3251-9insC on transcript NM_004380.3 (MANE Select); 10 bases into the intron before coding-DNA position 3251 through 9 bases into the intron before coding-DNA position 3251, C inserted.
Molecular consequence: intron variant.
Genome position: GRCh38 VCF-style: chr16-3758981-A-AG. GRCh37 (hg19) VCF-style: chr16-3808982-A-AG.
Other names: c.3137-10_3137-9insC (NM_001079846.1).
Identifiers: ClinVar variation 4989172 (VCV004989172.1).
Genomic context (GRCh38, chr16:3,758,981, plus strand): 5'-AGTGCTTCTAGGGTTGGCATGAGGGCCTGGCGTAACTCCTCTGGTTTAAAGACTGCAGAG[A>AG]AAACATCAAGAAAAGACACTTTGTAAAAGGTGCTCAGATCCCTCCTACCTCACATTTAAA-3'

ClinVar aggregate classification (germline): Likely benign (1 of 4 stars; one submission).

Conditions:
CREBBP-related disorder. Also called: CREBBP-related disorders; CREBBP-related condition.

Submission:

PreventionGenetics, part of Exact Sciences
Classification: Likely benign for CREBBP-related condition. Last evaluated: 2025-01-03. Review status: criteria provided, single submitter. Criteria: ACMG Guidelines, 2015. Collection method: clinical testing. Allele origin: germline.
Comment: This variant is classified as likely benign based on ACMG/AMP sequence variant interpretation guidelines (Richards et al. 2015 PMID: 25741868, with internal and published modifications).